The following is an entry in ClinVar:

NM_003705.5(SLC25A12):c.1267T>C (p.Ser423Pro)

Gene: SLC25A12 (solute carrier family 25 member 12; minus strand). Cytogenetic location: 2q31.1.
Variant type: single nucleotide variant.
Coding change: c.1267T>C on transcript NM_003705.5 (MANE Select); coding-DNA position 1267, T replaced by C.
Protein change: p.Ser423Pro; replaces serine 423 with proline.
Molecular consequence: missense variant. On other transcripts: non-coding transcript variant (1).
Genome position (GRCh38, 1-based): chr2:171,809,644, A>G on the plus strand (T>C on the coding strand, the complement: SLC25A12 is on the minus strand). VCF-style: chr2-171809644-A-G. GRCh37 (hg19) VCF-style: chr2-172666154-A-G.
Other names: short protein forms S423P.
Identifiers: ClinVar variation 1502915 (VCV001502915.5), dbSNP rs760263877, ClinGen allele CA1966163.

ClinVar aggregate classification (germline): Uncertain significance (1 of 4 stars; one submission).

Allele frequency attached by ClinVar (database versions not stated): gnomAD exomes below 0.00001; ExAC 0.00001; gnomAD 0.00001; TOPMed 0.00001.
gnomAD v4.1: 3 of 1,613,968 alleles (0.00019%); highest among the groups gnomAD compares: African/African-American, 0.004%; no homozygotes.

Submission:

Labcorp Genetics (formerly Invitae), Labcorp
Classification: Uncertain significance. Last evaluated: 2021-08-27. Review status: criteria provided, single submitter. Criteria: Invitae Variant Classification Sherloc (09022015). Collection method: clinical testing. Allele origin: germline.
Comment: This sequence change replaces serine with proline at codon 423 of the SLC25A12 protein (p.Ser423Pro). The serine residue is moderately conserved and there is a moderate physicochemical difference between serine and proline. This variant is present in population databases (rs760263877, ExAC 0.01%). This variant has not been reported in the literature in individuals affected with SLC25A12-related conditions. Algorithms developed to predict the effect of missense changes on protein structure and function (SIFT, PolyPhen-2, Align-GVGD) all suggest that this variant is likely to be tolerated. In summary, the available evidence is currently insufficient to determine the role of this variant in disease. Therefore, it has been classified as a Variant of Uncertain Significance.